The following is an entry in ClinVar:

NM_001165963.4(SCN1A):c.3438_3442del (p.Asn1146fs)

Genes: SCN1A (sodium voltage-gated channel alpha subunit 1; minus strand), LOC102724058 (uncharacterized LOC102724058; plus strand). Cytogenetic location: 2q24.3.
Variant type: Deletion.
Coding change: c.3438_3442del on transcript NM_001165963.4 (MANE Select); coding-DNA positions 3438 to 3442, 5 bases deleted (TGAAA; older notation c.3438_3442delTGAAA).
Protein change: p.Asn1146fs; shifts the reading frame from asparagine 1146.
Molecular consequence: frameshift variant. On other transcripts: non-coding transcript variant (2).
Genome position (GRCh38, 1-based): chr2:166,015,715-166,015,719, TTTCA deleted on the plus strand (TGAAA on the coding strand, the reverse complement: SCN1A is on the minus strand); deleting any 5 consecutive bases within chr2:166,015,715-166,015,721 gives the same sequence; the c. name uses the placement nearest the transcript's 3' end. VCF-style (leftmost placement, unchanged base first): chr2-166015714-CTTTCA-C. GRCh37 (hg19) VCF-style: chr2-166872224-CTTTCA-C.
Other names: c.3354_3358del, p.Asn1118fs (NM_001165964.3, NM_001353957.2, NM_001353958.2); c.3438_3442del, p.Asn1146fs (NM_001202435.3, NM_001353948.2); c.3405_3409del, p.Asn1135fs (NM_001353949.2, NM_001353950.2, NM_001353951.2 and 2 more transcripts); c.3402_3406del, p.Asn1134fs (NM_001353954.2, NM_001353955.2); c.3351_3355del, p.Asn1117fs (NM_001353960.2); c.996_1000del, p.Asn332fs (NM_001353961.2); short protein forms N332fs, N1117fs, N1134fs, N1118fs, N1135fs, N1146fs.
Identifiers: ClinVar variation 1430555 (VCV001430555.7), dbSNP rs2105630442, ClinGen allele CA2573133512.

ClinVar aggregate classification (germline): Pathogenic (1 of 4 stars; one submission).

Conditions:
Early-infantile DEE. Also called: Ohtahara syndrome; Early infantile epileptic encephalopathy with suppression bursts; Early infantile epileptic encephalopathy. Identifiers: Orphanet 1934, MedGen C0393706, MONDO:0800491.

Submission:

Labcorp Genetics (formerly Invitae), Labcorp
Classification: Pathogenic for Early-infantile DEE. Last evaluated: 2022-07-05. Review status: criteria provided, single submitter. Criteria: Invitae Variant Classification Sherloc (09022015). Collection method: clinical testing. Allele origin: germline.
Comment: For these reasons, this variant has been classified as Pathogenic. ClinVar contains an entry for this variant (Variation ID: 1430555). This variant has not been reported in the literature in individuals affected with SCN1A-related conditions. This variant is not present in population databases (gnomAD no frequency). This sequence change creates a premature translational stop signal (p.Asn1146Lysfs*3) in the SCN1A gene. It is expected to result in an absent or disrupted protein product. Loss-of-function variants in SCN1A are known to be pathogenic (PMID: 17347258, 18930999).

Literature cited by the submitters: PubMed 17347258; PubMed 18930999.